The following is an entry in ClinVar:

NM_001353345.2(SETD1B):c.4170_4171del (p.Gly1392fs)

Gene: SETD1B (SET domain containing 1B, histone lysine methyltransferase; plus strand). Cytogenetic location: 12q24.31.
Variant type: Deletion.
Coding change: c.4170_4171del on transcript NM_001353345.2 (MANE Select); coding-DNA positions 4170 to 4171, 2 bases deleted (AG; older notation c.4170_4171delAG).
Protein change: p.Gly1392fs; shifts the reading frame from glycine 1392.
Molecular consequence: frameshift variant.
Genome position (GRCh38, 1-based): chr12:121,822,749-121,822,750, AG deleted. VCF-style (leftmost placement, unchanged base first): chr12-121822748-CAG-C. GRCh37 (hg19) VCF-style: chr12-122260654-CAG-C.
Other names: short protein forms G1392fs.
Identifiers: ClinVar variation 1687475 (VCV001687475.30), dbSNP rs2137578021, ClinGen allele CA2573148035.

ClinVar aggregate classification (germline): Pathogenic/Likely pathogenic. Review status: criteria provided, multiple submitters, no conflicts (2 of 4 stars). 3 submissions from 3 submitters: Pathogenic (1); Likely pathogenic (1). 1 of the submissions does not count toward it. Last evaluated 2023-03-01.

Conditions:
Intellectual developmental disorder with seizures and language delay (IDDSELD). Identifiers: MedGen C5436574, MONDO:0033559, OMIM 619000.

Submissions (3):

CeGaT Center for Human Genetics Tuebingen
Classification: Pathogenic. Last evaluated: 2023-03-01. Review status: criteria provided, single submitter. Criteria: CeGaT Center For Human Genetics Tuebingen Variant Classification Criteria Version 2. Collection method: clinical testing. Allele origin: germline. Affected: yes. Observed: 1 variant allele.
Comment: SETD1B: PVS1, PS2, PM2

3billion
Classification: Likely pathogenic for Intellectual developmental disorder with seizures and language delay. Last evaluated: 2022-05-22. Review status: criteria provided, single submitter. Criteria: ACMG Guidelines, 2015. Collection method: clinical testing. Allele origin: germline. Affected: yes. Observed: 1 heterozygote.
Comment: The deletion creates a frameshift variant, which is expected to cause a loss of normal protein function via nonsense-mediated mRNA decay. It is absent from the gnomAD v2.1.1 dataset. Therefore, this variant is classified as likely pathogenic according to the recommendation of ACMG/AMP guideline.

Molecular Genetics laboratory, Necker Hospital
Classification: Likely pathogenic. Last evaluated: 2021-11-08. Review status: no assertion criteria provided. Collection method: clinical testing. Allele origin: de novo. Affected: yes. Not counted in ClinVar's aggregate classification.